The following is an entry in ClinVar:

ClinVar aggregate classification (germline): Uncertain significance (1 of 4 stars; one submission).

Conditions:
Gorlin syndrome. Also called: Nevoid Basal Cell Carcinoma Syndrome; Basal cell nevus syndrome. Identifiers: Orphanet 377, MedGen C0004779, MONDO:0007187.

Submission:

Labcorp Genetics (formerly Invitae), Labcorp
Classification: Uncertain significance for Gorlin syndrome. Last evaluated: 2023-11-10. Review status: criteria provided, single submitter. Criteria: Invitae Variant Classification Sherloc (09022015). Collection method: clinical testing. Allele origin: germline.
Comment: This sequence change replaces arginine, which is basic and polar, with threonine, which is neutral and polar, at codon 709 of the PTCH1 protein (p.Arg709Thr). This variant is not present in population databases (gnomAD no frequency). This variant has not been reported in the literature in individuals affected with PTCH1-related conditions. Advanced modeling of protein sequence and biophysical properties (such as structural, functional, and spatial information, amino acid conservation, physicochemical variation, residue mobility, and thermodynamic stability) performed at Invitae indicates that this missense variant is not expected to disrupt PTCH1 protein function with a negative predictive value of 95%. In summary, the available evidence is currently insufficient to determine the role of this variant in disease. Therefore, it has been classified as a Variant of Uncertain Significance.

NM_000264.5(PTCH1):c.2126G>C (p.Arg709Thr)

Genes: PTCH1 (patched 1; minus strand), LOC100507346 (uncharacterized LOC100507346; plus strand). Cytogenetic location: 9q22.32.
Variant type: single nucleotide variant.
Coding change: c.2126G>C on transcript NM_000264.5 (MANE Select); coding-DNA position 2126, G replaced by C.
Protein change: p.Arg709Thr; replaces arginine 709 with threonine.
Molecular consequence: missense variant. On other transcripts: non-coding transcript variant (2).
Genome position (GRCh38, 1-based): chr9:95,468,875, C>G on the plus strand (G>C on the coding strand, the complement: PTCH1 is on the minus strand). VCF-style: chr9-95468875-C-G. GRCh37 (hg19) VCF-style: chr9-98231157-C-G.
Other names: c.1673G>C, p.Arg558Thr (NM_001083604.3, NM_001083605.3, NM_001083606.3 and 1 more transcripts); c.1970G>C, p.Arg657Thr (NM_001354918.2); c.1928G>C, p.Arg643Thr (NM_001083602.3); c.2123G>C, p.Arg708Thr (NM_001083603.3); short protein forms R558T, R643T, R708T, R709T, R657T.
Identifiers: ClinVar variation 3019197 (VCV003019197.3), dbSNP rs1840287540, ClinGen allele CA374115602.